The following is an entry in ClinVar:

ClinVar aggregate classification (germline): Uncertain significance (1 of 4 stars; one submission).

Conditions:
Bethlem myopathy 1A. Also called: Bethlem Muscular Dystrophy; Bethlem myopathy 1; MYOPATHY, BENIGN CONGENITAL, WITH CONTRACTURES. Identifiers: Orphanet 610, MedGen CN029274, MONDO:0024530, OMIM 158810.

Submission:

Labcorp Genetics (formerly Invitae), Labcorp
Classification: Uncertain significance for Bethlem myopathy 1A. Last evaluated: 2022-07-06. Review status: criteria provided, single submitter. Criteria: Invitae Variant Classification Sherloc (09022015). Collection method: clinical testing. Allele origin: germline.
Comment: This sequence change replaces proline, which is neutral and non-polar, with alanine, which is neutral and non-polar, at codon 970 of the COL6A3 protein (p.Pro970Ala). In summary, the available evidence is currently insufficient to determine the role of this variant in disease. Therefore, it has been classified as a Variant of Uncertain Significance. Advanced modeling of protein sequence and biophysical properties (such as structural, functional, and spatial information, amino acid conservation, physicochemical variation, residue mobility, and thermodynamic stability) performed at Invitae indicates that this missense variant is not expected to disrupt COL6A3 protein function. ClinVar contains an entry for this variant (Variation ID: 645029). This variant has not been reported in the literature in individuals affected with COL6A3-related conditions. This variant is not present in population databases (gnomAD no frequency).

NM_004369.4(COL6A3):c.2908C>G (p.Pro970Ala)

Gene: COL6A3 (collagen type VI alpha 3 chain; minus strand). Cytogenetic location: 2q37.3.
Variant type: single nucleotide variant.
Coding change: c.2908C>G on transcript NM_004369.4 (MANE Select); coding-DNA position 2908, C replaced by G.
Protein change: p.Pro970Ala; replaces proline 970 with alanine.
Molecular consequence: missense variant.
Genome position (GRCh38, 1-based): chr2:237,376,934, G>C on the plus strand (C>G on the coding strand, the complement: COL6A3 is on the minus strand). VCF-style: chr2-237376934-G-C. GRCh37 (hg19) VCF-style: chr2-238285577-G-C.
Other names: c.1687C>G, p.Pro563Ala (NM_057164.5); c.2290C>G, p.Pro764Ala (NM_057165.5, NM_057167.4); c.1087C>G, p.Pro363Ala (NM_057166.5); short protein forms P764A, P970A, P563A, P363A.
Identifiers: ClinVar variation 645029 (VCV000645029.9), dbSNP rs1226873582, ClinGen allele CA351208947.